The following is an entry in ClinVar:

NM_020975.6(RET):c.41T>C (p.Leu14Pro)

Gene: RET (ret proto-oncogene; plus strand). Cytogenetic location: 10q11.21.
Variant type: single nucleotide variant.
Coding change: c.41T>C on transcript NM_020975.6 (MANE Select); coding-DNA position 41, T replaced by C.
Protein change: p.Leu14Pro; replaces leucine 14 with proline.
Molecular consequence: missense variant.
Genome position (GRCh38, 1-based): chr10:43,077,299, T>C. VCF-style: chr10-43077299-T-C. GRCh37 (hg19) VCF-style: chr10-43572747-T-C.
Other names: c.41T>C, p.Leu14Pro (NM_000323.2, NM_001406743.1, NM_001406744.1 and 38 more transcripts); short protein forms L14P.
Identifiers: ClinVar variation 1472013 (VCV001472013.11), dbSNP rs2132498406, ClinGen allele CA376768071.
Genomic context (GRCh38, chr10:43,077,299, plus strand): 5'-GGCCCCAGCGCGCACGGGCGATGGCGAAGGCGACGTCCGGTGCCGCGGGGCTGCGTCTGC[T>C]GTTGCTGCTGCTGCTGCCGCTGCTAGGCAAAGGTGAGTTCTGCCGGCCGCCGGCTCCCGC-3'
Protein context (NP_066124.1, residues 4-24): ATSGAAGLRL[Leu14Pro]LLLLLPLLGK

ClinVar aggregate classification (germline): Uncertain significance. Review status: criteria provided, multiple submitters, no conflicts (2 of 4 stars). 3 submissions from 3 submitters: Uncertain significance (3). Last evaluated 2025-11-17.

Conditions:
Hereditary cancer-predisposing syndrome. Also called: Neoplastic Syndromes, Hereditary; Hereditary Cancer Syndrome; Tumor predisposition; Hereditary neoplastic syndrome. Identifiers: Orphanet 140162, MedGen C0027672, MeSH D009386, MONDO:0015356.
Multiple endocrine neoplasia, type 2 (MEN2). Identifiers: Orphanet 653, MedGen C4048306, MONDO:0019003. Disease mechanism: gain of function.

Submissions (3):

Labcorp Genetics (formerly Invitae), Labcorp
Classification: Uncertain significance for Multiple endocrine neoplasia, type 2. Last evaluated: 2025-11-17. Review status: criteria provided, single submitter. Criteria: Invitae Variant Classification Sherloc (09022015). Collection method: clinical testing. Allele origin: germline.
Comment: This sequence change replaces leucine, which is neutral and non-polar, with proline, which is neutral and non-polar, at codon 14 of the RET protein (p.Leu14Pro). This variant is not present in population databases (gnomAD no frequency). This variant has not been reported in the literature in individuals affected with RET-related conditions. ClinVar contains an entry for this variant (Variation ID: 1472013). An algorithm developed to predict the effect of missense changes on protein structure and function (PolyPhen-2) suggests that this variant is likely to be tolerated. In summary, the available evidence is currently insufficient to determine the role of this variant in disease. Therefore, it has been classified as a Variant of Uncertain Significance.

Ambry Genetics
Classification: Uncertain significance for Hereditary cancer-predisposing syndrome. Last evaluated: 2025-08-20. Review status: criteria provided, single submitter. Criteria: Ambry Variant Classification Scheme 2023. Collection method: clinical testing. Allele origin: germline.
Comment: The p.L14P variant (also known as c.41T>C), located in coding exon 1 of the RET gene, results from a T to C substitution at nucleotide position 41. The leucine at codon 14 is replaced by proline, an amino acid with similar properties. This amino acid position is well conserved in available vertebrate species. In addition, the in silico prediction for this alteration is inconclusive. Since supporting evidence is limited at this time, the clinical significance of this alteration remains unclear.

Color Diagnostics, LLC DBA Color Health
Classification: Uncertain significance for Multiple endocrine neoplasia, type 2. Last evaluated: 2025-08-07. Review status: criteria provided, single submitter. Criteria: ACMG Guidelines, 2015. Collection method: clinical testing. Allele origin: germline.
Comment: This missense variant replaces leucine with proline at codon 14 of the RET protein. Computational prediction suggests that this variant may not impact protein structure and function. To our knowledge, functional studies have not been reported for this variant. This variant has not been reported in individuals affected with RET-related disorders in the literature. This variant has not been identified in the general population by the Genome Aggregation Database (gnomAD). The available evidence is insufficient to determine the role of this variant in disease conclusively. Therefore, this variant is classified as a Variant of Uncertain Significance.